The following is an entry in ClinVar:

NM_001204.7(BMPR2):c.2731T>G (p.Ser911Ala)

Gene: BMPR2 (bone morphogenetic protein receptor type 2; plus strand). Cytogenetic location: 2q33.2.
Variant type: single nucleotide variant.
Coding change: c.2731T>G on transcript NM_001204.7 (MANE Select); coding-DNA position 2731, T replaced by G.
Protein change: p.Ser911Ala; replaces serine 911 with alanine.
Molecular consequence: missense variant.
Genome position (GRCh38, 1-based): chr2:202,556,396, T>G. VCF-style: chr2-202556396-T-G. GRCh37 (hg19) VCF-style: chr2-203421119-T-G.
Other names: short protein forms S911A.
Identifiers: ClinVar variation 2912633 (VCV002912633.4), dbSNP rs745824820, ClinGen allele CA2061578.

ClinVar aggregate classification (germline): Conflicting classifications of pathogenicity. Review status: criteria provided, conflicting classifications (1 of 4 stars). 2 submissions from 2 submitters: Uncertain significance (1); Likely benign (1). Last evaluated 2024-12-10.

Conditions:
Inborn genetic diseases. Identifiers: MedGen C0950123, MeSH D030342.
Primary pulmonary hypertension. Also called: Idiopathic pulmonary hypertension. Identifiers: MedGen C0152171.

Allele frequency attached by ClinVar (database versions not stated): ExAC 0.00001; gnomAD 0.00002; TOPMed 0.00003; gnomAD exomes 0.00005.
gnomAD v4.1: 74 of 1,614,076 alleles (0.0046%); highest among the groups gnomAD compares: Non-Finnish European, 0.006%; no homozygotes.

Submissions (2):

Ambry Genetics
Classification: Uncertain significance for Inborn genetic diseases. Last evaluated: 2024-12-10. Review status: criteria provided, single submitter. Criteria: Ambry Variant Classification Scheme 2023. Collection method: clinical testing. Allele origin: germline.
Comment: The p.S911A variant (also known as c.2731T>G), located in coding exon 12 of the BMPR2 gene, results from a T to G substitution at nucleotide position 2731. The serine at codon 911 is replaced by alanine, an amino acid with similar properties. This amino acid position is conserved. In addition, this alteration is predicted to be tolerated by in silico analysis. Based on the available evidence, the clinical significance of this variant remains unclear.

Labcorp Genetics (formerly Invitae), Labcorp
Classification: Likely benign for Primary pulmonary hypertension. Last evaluated: 2024-08-04. Review status: criteria provided, single submitter. Criteria: Invitae Variant Classification Sherloc (09022015). Collection method: clinical testing. Allele origin: germline.